The following is an entry in ClinVar:

NM_001282225.2(ADA2):c.1348G>A (p.Gly450Ser)

Gene: ADA2 (adenosine deaminase 2; minus strand). Cytogenetic location: 22q11.1.
Variant type: single nucleotide variant.
Coding change: c.1348G>A on transcript NM_001282225.2 (MANE Select); coding-DNA position 1348, G replaced by A.
Protein change: p.Gly450Ser; replaces glycine 450 with serine.
Molecular consequence: missense variant.
Genome position (GRCh38, 1-based): chr22:17,181,914, C>T on the plus strand (G>A on the coding strand, the complement: ADA2 is on the minus strand). VCF-style: chr22-17181914-C-T. GRCh37 (hg19) VCF-style: chr22-17662804-C-T.
Other names: c.1348G>A, p.Gly450Ser (NM_001282226.2); c.1222G>A, p.Gly408Ser (NM_001282227.2, NM_001282228.2); c.988G>A, p.Gly330Ser (NM_001282229.2); c.625G>A, p.Gly209Ser (NM_177405.3); short protein forms G209S, G330S, G408S, G450S.
Identifiers: ClinVar variation 1026375 (VCV001026375.10), dbSNP rs1206824905, ClinGen allele CA410231810.

ClinVar aggregate classification (germline): Uncertain significance. Review status: criteria provided, multiple submitters, no conflicts (2 of 4 stars). 2 submissions from 2 submitters: Uncertain significance (2). Last evaluated 2022-11-01.

Conditions:
Deficiency of adenosine deaminase 2. Also called: Polyarteritis nodosa, childhoood-onset; Adenosine Deaminase 2 Deficiency; VASCULITIS, AUTOINFLAMMATION, IMMUNODEFICIENCY, AND HEMATOLOGIC DEFECTS SYNDROME. Identifiers: Orphanet 404553, MedGen C3887654, MONDO:0014306, OMIM 615688, MONDO:0100317.
Sneddon syndrome (SNDNS). Also called: LIVEDO RETICULARIS AND CEREBROVASCULAR ACCIDENTS; Idiopathic livedo reticularis with systemic involvement. Identifiers: Orphanet 820, MedGen C0282492, MONDO:0008436, OMIM 182410.

Allele frequency attached by ClinVar (database versions not stated): TOPMed 0.00003.
gnomAD v4.1: 15 of 1,614,182 alleles (0.00093%); highest among the groups gnomAD compares: African/African-American, 0.0013%; no homozygotes.

Submissions (2):

Labcorp Genetics (formerly Invitae), Labcorp
Classification: Uncertain significance for Deficiency of adenosine deaminase 2. Last evaluated: 2022-11-01. Review status: criteria provided, single submitter. Criteria: Invitae Variant Classification Sherloc (09022015). Collection method: clinical testing. Allele origin: germline.
Comment: This variant is not present in population databases (gnomAD no frequency). In summary, the available evidence is currently insufficient to determine the role of this variant in disease. Therefore, it has been classified as a Variant of Uncertain Significance. Advanced modeling of protein sequence and biophysical properties (such as structural, functional, and spatial information, amino acid conservation, physicochemical variation, residue mobility, and thermodynamic stability) has been performed at Invitae for this missense variant, however the output from this modeling did not meet the statistical confidence thresholds required to predict the impact of this variant on ADA2 protein function. ClinVar contains an entry for this variant (Variation ID: 1026375). This variant has not been reported in the literature in individuals affected with ADA2-related conditions. This sequence change replaces glycine, which is neutral and non-polar, with serine, which is neutral and polar, at codon 450 of the ADA2 protein (p.Gly450Ser).

Fulgent Genetics
Classification: Uncertain significance for Sneddon syndrome; Deficiency of adenosine deaminase 2. Last evaluated: 2021-07-09. Review status: criteria provided, single submitter. Criteria: ACMG Guidelines, 2015. Collection method: clinical testing. Allele origin: unknown.